The following is an entry in ClinVar:

ClinVar aggregate classification (germline): Uncertain significance (1 of 4 stars; one submission).

Conditions:
Glanzmann thrombasthenia. Also called: BLEEDING DISORDER, PLATELET-TYPE, 2; THROMBASTHENIA OF GLANZMANN AND NAEGELI; Thrombasthenia; Glanzmann's thrombasthenia; PLATELET GLYCOPROTEIN IIb-IIIa DEFICIENCY. Identifiers: Orphanet 849, MedGen C0040015, MONDO:0100326.

gnomAD v4.1: 1 of 1,613,624 alleles (0.000062%); highest among the groups gnomAD compares: Admixed American, 0.0017%; no homozygotes.

Submission:

Labcorp Genetics (formerly Invitae), Labcorp
Classification: Uncertain significance for Glanzmann thrombasthenia. Last evaluated: 2026-01-21. Review status: criteria provided, single submitter. Criteria: Invitae Variant Classification Sherloc (09022015). Collection method: clinical testing. Allele origin: germline.
Comment: This sequence change affects codon 948 of the ITGA2B mRNA. It is a 'silent' change, meaning that it does not change the encoded amino acid sequence of the ITGA2B protein. It affects a nucleotide within the consensus splice site. This variant is present in population databases (no rsID available, gnomAD 0.003%). This variant has not been reported in the literature in individuals affected with ITGA2B-related conditions. Algorithms developed to predict the effect of sequence changes on RNA splicing suggest that this variant is not likely to affect RNA splicing. In summary, the available evidence is currently insufficient to determine the role of this variant in disease. Therefore, it has been classified as a Variant of Uncertain Significance.

NM_000419.5(ITGA2B):c.2842A>C (p.Arg948=)

Gene: ITGA2B (integrin subunit alpha 2b; minus strand). Cytogenetic location: 17q21.31.
Variant type: single nucleotide variant.
Coding change: c.2842A>C on transcript NM_000419.5 (MANE Select); coding-DNA position 2842, A replaced by C.
Protein change: p.Arg948=; no amino-acid change (arginine 948 retained).
Molecular consequence: synonymous variant.
Genome position (GRCh38, 1-based): chr17:44,374,760, T>G on the plus strand (A>C on the coding strand, the complement: ITGA2B is on the minus strand). VCF-style: chr17-44374760-T-G. GRCh37 (hg19) VCF-style: chr17-42452128-T-G.
Identifiers: ClinVar variation 4770611 (VCV004770611.1).